The following is an entry in ClinVar:

ClinVar aggregate classification (germline): Likely benign. Review status: criteria provided, single submitter (1 of 4 stars). 2 submissions from 2 submitters: Likely benign (1). 1 of the submissions does not count toward it. Last evaluated 2023-02-01.

Conditions:
FMN2-related disorder. Also called: FMN2-related condition.

Allele frequency attached by ClinVar (database versions not stated): gnomAD 0.00010; 1000 Genomes Project 30x 0.00016; gnomAD exomes 0.00017; TOPMed 0.00024.
gnomAD v4.1: 234 of 1,397,210 alleles (0.017%); highest among the groups gnomAD compares: Middle Eastern, 0.021%; no homozygotes.

Submissions (2):

CeGaT Center for Human Genetics Tuebingen
Classification: Likely benign. Last evaluated: 2023-02-01. Review status: criteria provided, single submitter. Criteria: CeGaT Center For Human Genetics Tuebingen Variant Classification Criteria Version 2. Collection method: clinical testing. Allele origin: germline. Affected: yes. Observed: 1 variant allele.
Comment: FMN2: BP4, BP7

PreventionGenetics, part of Exact Sciences
Classification: Likely benign for FMN2-related condition. Last evaluated: 2022-03-04. Review status: no assertion criteria provided. Collection method: clinical testing. Allele origin: germline. Not counted in ClinVar's aggregate classification.
Comment: This variant is classified as likely benign based on ACMG/AMP sequence variant interpretation guidelines (Richards et al. 2015 PMID: 25741868, with internal and published modifications).

NM_020066.5(FMN2):c.903C>T (p.Val301=)

Gene: FMN2 (formin 2; plus strand). Cytogenetic location: 1q43.
Variant type: single nucleotide variant.
Coding change: c.903C>T on transcript NM_020066.5 (MANE Select); coding-DNA position 903, C replaced by T.
Protein change: p.Val301=; no amino-acid change (valine 301 retained).
Molecular consequence: synonymous variant.
Genome position (GRCh38, 1-based): chr1:240,093,012, C>T. VCF-style: chr1-240093012-C-T. GRCh37 (hg19) VCF-style: chr1-240256312-C-T.
Other names: c.903C>T, p.Val301= (NM_001305424.2, NM_001348094.2); c.903C>T (NM_020066.4).
Identifiers: ClinVar variation 2640127 (VCV002640127.25), dbSNP rs754511896, ClinGen allele CA1476246.